The following is an entry in ClinVar:

NM_000268.4(NF2):c.392T>C (p.Ile131Thr)

Gene: NF2 (NF2, moesin-ezrin-radixin like (MERLIN) tumor suppressor; plus strand). Cytogenetic location: 22q12.2.
Variant type: single nucleotide variant.
Coding change: c.392T>C on transcript NM_000268.4 (MANE Select); coding-DNA position 392, T replaced by C.
Protein change: p.Ile131Thr; replaces isoleucine 131 with threonine.
Molecular consequence: missense variant. On other transcripts: non-coding transcript variant (1).
Genome position (GRCh38, 1-based): chr22:29,642,230, T>C. VCF-style: chr22-29642230-T-C. GRCh37 (hg19) VCF-style: chr22-30038219-T-C.
Other names: c.278T>C, p.Ile93Thr (NM_001407053.1, NM_001407056.1); c.269T>C, p.Ile90Thr (NM_001407054.1, NM_001407058.1, NM_001407062.1 and 1 more transcripts); c.266T>C, p.Ile89Thr (NM_001407055.1, NM_181828.3); c.392T>C, p.Ile131Thr (NM_001407057.1, NM_001407059.1, NM_001407060.1 and 5 more transcripts); c.143T>C, p.Ile48Thr (NM_001407063.1, NM_001407064.1, NM_181830.3 and 1 more transcripts); c.-249T>C (NM_001407065.1); c.161T>C, p.Ile54Thr (NM_001407067.1); short protein forms I54T, I90T, I48T, I89T, I131T, I93T.
Identifiers: ClinVar variation 1736260 (VCV001736260.8), dbSNP rs2146893334, ClinGen allele CA411153779.
Genomic context (GRCh38, chr22:29,642,230, plus strand): 5'-GAGTATCATGTCTCCCTTGTTGCTCCTTTCAGGTAAAGAAGCAGATTTTAGATGAAAAGA[T>C]CTACTGCCCTCCTGAGGCTTCTGTGCTCCTGGCTTCTTACGCCGTCCAGGCCAAGGTAGG-3'
Protein context (NP_000259.1, residues 121-141): QVKKQILDEK[Ile131Thr]YCPPEASVLL

ClinVar aggregate classification (germline): Uncertain significance. Review status: criteria provided, multiple submitters, no conflicts (2 of 4 stars). 3 submissions from 3 submitters: Uncertain significance (3). Last evaluated 2023-10-06.

Conditions:
Hereditary cancer-predisposing syndrome. Also called: Hereditary Cancer Syndrome; Hereditary neoplastic syndrome; Neoplastic Syndromes, Hereditary; Tumor predisposition. Identifiers: Orphanet 140162, MedGen C0027672, MeSH D009386, MONDO:0015356.
Neurofibromatosis, type 2 (SWNV). Also called: SCHWANNOMATOSIS, VESTIBULAR; NF2-Related Schwannomatosis; BILATERAL ACOUSTIC NEUROFIBROMATOSIS. Identifiers: Orphanet 637, MedGen C0027832, MONDO:0007039, OMIM 101000. Disease mechanism: loss of function.

Submissions (3):

All of Us Research Program, National Institutes of Health
Classification: Uncertain significance for Neurofibromatosis, type 2. Last evaluated: 2023-10-06. Review status: criteria provided, single submitter. Criteria: ACMG Guidelines, 2015. Collection method: clinical testing. Allele origin: germline. Inheritance: Autosomal dominant inheritance. Observed: 1 variant allele, 1 heterozygote.
Comment: This missense variant replaces isoleucine with threonine at codon 131 of the NF2 protein. Computational prediction suggests that this variant may have deleterious impact on protein structure and function (internally defined REVEL score threshold >= 0.7, PMID: 27666373). To our knowledge, functional studies have not been reported for this variant. This variant has not been reported in individuals affected with NF2-related disorders in the literature. This variant has not been identified in the general population by the Genome Aggregation Database (gnomAD). The available evidence is insufficient to determine the role of this variant in disease conclusively. Therefore, this variant is classified as a Variant of Uncertain Significance.

This study involves interpretation of variants in research participants for the purpose of population health screening. Participant phenotype was not available at the time of variant classification. Additional details can be found in publication PMID: 35346344, PMCID: PMC8962531

Ambry Genetics
Classification: Uncertain significance for Hereditary cancer-predisposing syndrome. Last evaluated: 2022-07-27. Review status: criteria provided, single submitter. Criteria: Ambry Variant Classification Scheme 2023. Collection method: clinical testing. Allele origin: germline.
Comment: The p.I131T variant (also known as c.392T>C), located in coding exon 4 of the NF2 gene, results from a T to C substitution at nucleotide position 392. The isoleucine at codon 131 is replaced by threonine, an amino acid with similar properties. This amino acid position is conserved. In addition, this alteration is predicted to be deleterious by in silico analysis. Since supporting evidence is limited at this time, the clinical significance of this alteration remains unclear.

Labcorp Genetics (formerly Invitae), Labcorp
Classification: Uncertain significance for Neurofibromatosis, type 2. Last evaluated: 2022-03-29. Review status: criteria provided, single submitter. Criteria: Invitae Variant Classification Sherloc (09022015). Collection method: clinical testing. Allele origin: germline.
Comment: In summary, the available evidence is currently insufficient to determine the role of this variant in disease. Therefore, it has been classified as a Variant of Uncertain Significance. Algorithms developed to predict the effect of missense changes on protein structure and function (SIFT, PolyPhen-2, Align-GVGD) all suggest that this variant is likely to be disruptive. This variant is not present in population databases (gnomAD no frequency). This variant has not been reported in the literature in individuals affected with NF2-related conditions. This sequence change replaces isoleucine, which is neutral and non-polar, with threonine, which is neutral and polar, at codon 131 of the NF2 protein (p.Ile131Thr).